The following is an entry in ClinVar:

NM_001386298.1(CIC):c.5699C>T (p.Ser1900Phe)

Gene: CIC (capicua transcriptional repressor; plus strand). Cytogenetic location: 19q13.2.
Variant type: single nucleotide variant.
Coding change: c.5699C>T on transcript NM_001386298.1 (MANE Select); coding-DNA position 5699, C replaced by T.
Protein change: p.Ser1900Phe; replaces serine 1900 with phenylalanine.
Molecular consequence: missense variant.
Genome position (GRCh38, 1-based): chr19:42,292,171, C>T. VCF-style: chr19-42292171-C-T. GRCh37 (hg19) VCF-style: chr19-42796323-C-T.
Other names: c.5699C>T, p.Ser1900Phe (NM_001304815.2, NM_001379480.1, NM_001379482.1 and 1 more transcripts); c.2972C>T, p.Ser991Phe (NM_001379484.1, NM_001379485.1, NM_015125.5); short protein forms S1900F, S991F.
Identifiers: ClinVar variation 2498027 (VCV002498027.1), dbSNP rs368051671, ClinGen allele CA9472444.
Genomic context (GRCh38, chr19:42,292,171, plus strand): 5'-TGAGCACACCCAGCGGCCTGGTGCCGCCCCTGAGCCCAGCCACACTCCCTGGACCCACCT[C>T]TCAGCCTCAGAAGGTCCTGTTGCCCTCCTCCACCAGGTAATTGCAGCTGAGCCCATACTC-3'
Protein context (NP_001373227.1, residues 1890-1910): LSPATLPGPT[Ser1900Phe]QPQKVLLPSS

ClinVar aggregate classification (germline): Uncertain significance (1 of 4 stars; one submission).

Allele frequency attached by ClinVar (database versions not stated): gnomAD exomes below 0.00001; ExAC 0.00001; ESP Exome Variant Server 0.00008.

Submission:

GeneDx
Classification: Uncertain significance. Last evaluated: 2022-10-05. Review status: criteria provided, single submitter. Criteria: GeneDx Variant Classification Process June 2021. Collection method: clinical testing. Allele origin: germline. Affected: yes.
Comment: Not observed at significant frequency in large population cohorts (gnomAD); In silico analysis supports that this missense variant does not alter protein structure/function; Has not been previously published as pathogenic or benign to our knowledge